The following is an entry in ClinVar:

NM_003227.4(TFR2):c.590A>G (p.Tyr197Cys)

Gene: TFR2 (transferrin receptor 2; minus strand). Cytogenetic location: 7q22.1.
Variant type: single nucleotide variant.
Coding change: c.590A>G on transcript NM_003227.4 (MANE Select); coding-DNA position 590, A replaced by G.
Protein change: p.Tyr197Cys; replaces tyrosine 197 with cysteine.
Molecular consequence: missense variant.
Genome position (GRCh38, 1-based): chr7:100,633,440, T>C on the plus strand (A>G on the coding strand, the complement: TFR2 is on the minus strand). VCF-style: chr7-100633440-T-C. GRCh37 (hg19) VCF-style: chr7-100231063-T-C.
Other names: c.77A>G, p.Tyr26Cys (NM_001206855.3); short protein forms Y197C, Y26C.
Identifiers: ClinVar variation 415945 (VCV000415945.13), dbSNP rs187119131, ClinGen allele CA4386794.

ClinVar aggregate classification (germline): Likely benign. Review status: criteria provided, single submitter (1 of 4 stars). 2 submissions from 2 submitters: Likely benign (1). 1 of the submissions does not count toward it. Last evaluated 2026-02-04.

Conditions:
TFR2-related disorder. Also called: TFR2-related condition.
Hereditary hemochromatosis (HFE). Identifiers: MedGen C0392514, MONDO:0006507. Disease mechanism: loss of function.

Allele frequency attached by ClinVar (database versions not stated): gnomAD 0.00003 and 0.00006; gnomAD exomes 0.00009 and 0.00020; TOPMed 0.00014; ExAC 0.00026; 1000 Genomes Project 30x 0.00031; 1000 Genomes Project 0.00040.
gnomAD v4.1: 139 of 1,612,554 alleles (0.0086%); highest among the groups gnomAD compares: East Asian, 0.29%; 1 homozygote.

Submissions (2):

Labcorp Genetics (formerly Invitae), Labcorp
Classification: Likely benign for Hereditary hemochromatosis. Last evaluated: 2026-02-04. Review status: criteria provided, single submitter. Criteria: Invitae Variant Classification Sherloc (09022015). Collection method: clinical testing. Allele origin: germline.

PreventionGenetics, part of Exact Sciences
Classification: Likely benign for TFR2-related condition. Last evaluated: 2023-08-30. Review status: no assertion criteria provided. Collection method: clinical testing. Allele origin: germline. Not counted in ClinVar's aggregate classification.
Comment: This variant is classified as likely benign based on ACMG/AMP sequence variant interpretation guidelines (Richards et al. 2015 PMID: 25741868, with internal and published modifications).